The following is an entry in ClinVar:

NM_020989.4(CRYGC):c.419G>C (p.Arg140Pro)

Genes: CRYGC (crystallin gamma C; minus strand), LOC100507443 (uncharacterized LOC100507443; plus strand). Cytogenetic location: 2q33.3.
Variant type: single nucleotide variant.
Coding change: c.419G>C on transcript NM_020989.4 (MANE Select); coding-DNA position 419, G replaced by C.
Protein change: p.Arg140Pro; replaces arginine 140 with proline.
Molecular consequence: missense variant.
Genome position (GRCh38, 1-based): chr2:208,128,309, C>G on the plus strand (G>C on the coding strand, the complement: CRYGC is on the minus strand). VCF-style: chr2-208128309-C-G. GRCh37 (hg19) VCF-style: chr2-208993033-C-G.
Other names: short protein forms R140P.
Identifiers: ClinVar variation 4796490 (VCV004796490.1).
Genomic context (GRCh38, chr2:208,128,309, plus strand): 5'-ATGGCCCCCCAGTCCTGGCACCGCCTGTACTCTTGGGGCCTCAGCAGGTATTGCCGCCCC[C>G]GGTAGTTGGGCAGCTCGTAGAGGACCCAGCAGCCCTCCAGCACGTGGAGGGAACGGATCT-3'
Protein context (NP_066269.1, residues 130-150): CWVLYELPNY[Arg140Pro]GRQYLLRPQE

ClinVar aggregate classification (germline): Uncertain significance (1 of 4 stars; one submission).

Conditions:
Early-onset non-syndromic cataract. Also called: NUCLEAR SCLEROSIS OF THE LENS; Age-related nuclear cataract. Identifiers: Orphanet 91492, MedGen C1832423, MONDO:0011060, OMIM 601371, HP:0011142.

Submission:

Genetics Department, University Hospital of Toulouse
Classification: Uncertain significance for Early-onset non-syndromic cataract. Last evaluated: 2025-10-05. Review status: criteria provided, single submitter. Criteria: ACMG Guidelines, 2015. Collection method: clinical testing. Allele origin: maternal. Affected: yes. Observed: 2 variant alleles.
Comment: It was classified as VUS according to ACMG criteria (PM1, PM2, PP3).